The following is an entry in ClinVar:

NM_014324.6(AMACR):c.728T>G (p.Leu243Arg)

Genes: C1QTNF3-AMACR (C1QTNF3-AMACR readthrough (NMD candidate); minus strand), AMACR (alpha-methylacyl-CoA racemase; minus strand). Cytogenetic location: 5p13.2.
Variant type: single nucleotide variant.
Coding change: c.728T>G on transcript NM_014324.6 (MANE Select); coding-DNA position 728, T replaced by G.
Protein change: p.Leu243Arg; replaces leucine 243 with arginine.
Molecular consequence: missense variant. On other transcripts: non-coding transcript variant (1), synonymous variant (1).
Genome position (GRCh38, 1-based): chr5:33,998,652, A>C on the plus strand (T>G on the coding strand, the complement: AMACR is on the minus strand). VCF-style: chr5-33998652-A-C. GRCh37 (hg19) VCF-style: chr5-33998757-A-C.
Other names: c.728T>G, p.Leu243Arg (NM_001167595.2); c.567T>G, p.Ala189= (NM_203382.3); short protein forms L243R.
Identifiers: ClinVar variation 1349926 (VCV001349926.8), dbSNP rs2112054267, ClinGen allele CA359381135.

ClinVar aggregate classification (germline): Uncertain significance (1 of 4 stars; one submission).

Conditions:
Alpha-methylacyl-CoA racemase deficiency (AMACRD). Also called: AMACR deficiency. Identifiers: Orphanet 79095, MedGen C3280428, MONDO:0013681, OMIM 614307. Disease mechanism: loss of function.

Submission:

Labcorp Genetics (formerly Invitae), Labcorp
Classification: Uncertain significance for Alpha-methylacyl-CoA racemase deficiency. Last evaluated: 2022-03-08. Review status: criteria provided, single submitter. Criteria: Invitae Variant Classification Sherloc (09022015). Collection method: clinical testing. Allele origin: germline.
Comment: This sequence change replaces leucine, which is neutral and non-polar, with arginine, which is basic and polar, at codon 243 of the AMACR protein (p.Leu243Arg). This variant is not present in population databases (gnomAD no frequency). This variant has not been reported in the literature in individuals affected with AMACR-related conditions. Algorithms developed to predict the effect of missense changes on protein structure and function (SIFT, PolyPhen-2, Align-GVGD) all suggest that this variant is likely to be tolerated. In summary, the available evidence is currently insufficient to determine the role of this variant in disease. Therefore, it has been classified as a Variant of Uncertain Significance.